The following is an entry in ClinVar:

NM_001122752.2(SERPINI1):c.221A>G (p.His74Arg)

Gene: SERPINI1 (serpin family I member 1; plus strand). Cytogenetic location: 3q26.1.
Variant type: single nucleotide variant.
Coding change: c.221A>G on transcript NM_001122752.2 (MANE Select); coding-DNA position 221, A replaced by G.
Protein change: p.His74Arg; replaces histidine 74 with arginine.
Molecular consequence: missense variant.
Genome position (GRCh38, 1-based): chr3:167,789,349, A>G. VCF-style: chr3-167789349-A-G. GRCh37 (hg19) VCF-style: chr3-167507137-A-G.
Other names: c.221A>G, p.His74Arg (NM_005025.5); short protein forms H74R.
Identifiers: ClinVar variation 640378 (VCV000640378.7), dbSNP rs757918199, ClinGen allele CA2694750.

ClinVar aggregate classification (germline): Uncertain significance. Review status: criteria provided, multiple submitters, no conflicts (2 of 4 stars). 2 submissions from 2 submitters: Uncertain significance (2). Last evaluated 2025-03-29.

Conditions:
Familial encephalopathy with neuroserpin inclusion bodies. Also called: ENCEPHALOPATHY, FAMILIAL, WITH COLLINS BODIES. Identifiers: Orphanet 85110, MedGen C1858680, MONDO:0011412, OMIM 604218.

Allele frequency attached by ClinVar (database versions not stated): gnomAD exomes 0.00001 and 0.00002; ExAC 0.00002; gnomAD 0.00002; TOPMed 0.00002.
gnomAD v4.1: 35 of 1,614,066 alleles (0.0022%); highest among the groups gnomAD compares: Non-Finnish European, 0.0027%; 1 homozygote.

Submissions (2):

Labcorp Genetics (formerly Invitae), Labcorp
Classification: Uncertain significance for Familial encephalopathy with neuroserpin inclusion bodies. Last evaluated: 2025-03-29. Review status: criteria provided, single submitter. Criteria: Invitae Variant Classification Sherloc (09022015). Collection method: clinical testing. Allele origin: germline.
Comment: This sequence change replaces histidine, which is basic and polar, with arginine, which is basic and polar, at codon 74 of the SERPINI1 protein (p.His74Arg). This variant is present in population databases (rs757918199, gnomAD 0.002%). This variant has not been reported in the literature in individuals affected with SERPINI1-related conditions. ClinVar contains an entry for this variant (Variation ID: 640378). Invitae Evidence Modeling of protein sequence and biophysical properties (such as structural, functional, and spatial information, amino acid conservation, physicochemical variation, residue mobility, and thermodynamic stability) indicates that this missense variant is not expected to disrupt SERPINI1 protein function with a negative predictive value of 80%. In summary, the available evidence is currently insufficient to determine the role of this variant in disease. Therefore, it has been classified as a Variant of Uncertain Significance.

Breakthrough Genomics
Classification: Uncertain significance. Review status: criteria provided, single submitter. Criteria: ACMG Guidelines, 2015. Collection method: not provided. Allele origin: germline. Inheritance: Autosomal dominant inheritance. Affected: yes.